The following is an entry in ClinVar:

NM_006431.3(CCT2):c.178T>C (p.Ser60Pro)

Gene: CCT2 (chaperonin containing TCP1 subunit 2; plus strand). Cytogenetic location: 12q15.
Variant type: single nucleotide variant.
Coding change: c.178T>C on transcript NM_006431.3 (MANE Select); coding-DNA position 178, T replaced by C.
Protein change: p.Ser60Pro; replaces serine 60 with proline.
Molecular consequence: missense variant.
Genome position (GRCh38, 1-based): chr12:69,587,538, T>C. VCF-style: chr12-69587538-T-C. GRCh37 (hg19) VCF-style: chr12-69981318-T-C.
Other names: c.37T>C, p.Ser13Pro (NM_001198842.2); c.178T>C (NM_006431.2); short protein forms S13P, S60P.
Identifiers: ClinVar variation 1354207 (VCV001354207.7), dbSNP rs1881702085, ClinGen allele CA385723884.
Genomic context (GRCh38, chr12:69,587,538, plus strand): 5'-AACTTGAACCAATTATGTTCCCTTTAGGACAAAATTCTTCTAAGCAGTGGACGAGATGCC[T>C]CTCTTATGGTAACCAATGATGGTGCCACTATTCTAAAAAACATTGGTGTTGACAATCCAG-3'
Protein context (NP_006422.1, residues 50-70): KILLSSGRDA[Ser60Pro]LMVTNDGATI

ClinVar aggregate classification (germline): Uncertain significance. Review status: criteria provided, multiple submitters, no conflicts (2 of 4 stars). 2 submissions from 2 submitters: Uncertain significance (2). Last evaluated 2025-11-24.

Submissions (2):

Ambry Genetics
Classification: Uncertain significance. Last evaluated: 2025-11-24. Review status: criteria provided, single submitter. Criteria: Ambry Variant Classification Scheme 2023. Collection method: clinical testing. Allele origin: germline.

Labcorp Genetics (formerly Invitae), Labcorp
Classification: Uncertain significance. Last evaluated: 2022-06-05. Review status: criteria provided, single submitter. Criteria: Invitae Variant Classification Sherloc (09022015). Collection method: clinical testing. Allele origin: germline.
Comment: This sequence change replaces serine, which is neutral and polar, with proline, which is neutral and non-polar, at codon 60 of the CCT2 protein (p.Ser60Pro). This variant is not present in population databases (gnomAD no frequency). This variant has not been reported in the literature in individuals affected with CCT2-related conditions. ClinVar contains an entry for this variant (Variation ID: 1354207). Algorithms developed to predict the effect of missense changes on protein structure and function (SIFT, PolyPhen-2, Align-GVGD) all suggest that this variant is likely to be tolerated. In summary, the available evidence is currently insufficient to determine the role of this variant in disease. Therefore, it has been classified as a Variant of Uncertain Significance.